The following is an entry in ClinVar:

ClinVar aggregate classification (germline): Likely benign. Review status: criteria provided, single submitter (1 of 4 stars). 2 submissions from 2 submitters: Likely benign (1). 1 of the submissions does not count toward it. Last evaluated 2025-04-27.

Conditions:
FOXI1-related disorder. Also called: FOXI1-related condition.

Allele frequency attached by ClinVar (database versions not stated): ExAC 0.00007; TOPMed 0.00009; gnomAD 0.00011; 1000 Genomes Project 30x 0.00016; gnomAD exomes 0.00018; 1000 Genomes Project 0.00020.
gnomAD v4.1: 273 of 1,614,100 alleles (0.017%); highest among the groups gnomAD compares: Non-Finnish European, 0.021%; no homozygotes.

Submissions (2):

Labcorp Genetics (formerly Invitae), Labcorp
Classification: Likely benign. Last evaluated: 2025-04-27. Review status: criteria provided, single submitter. Criteria: Invitae Variant Classification Sherloc (09022015). Collection method: clinical testing. Allele origin: germline.

PreventionGenetics, part of Exact Sciences
Classification: Likely benign for FOXI1-related condition. Last evaluated: 2024-01-04. Review status: no assertion criteria provided. Collection method: clinical testing. Allele origin: germline. Not counted in ClinVar's aggregate classification.
Comment: This variant is classified as likely benign based on ACMG/AMP sequence variant interpretation guidelines (Richards et al. 2015 PMID: 25741868, with internal and published modifications).

NM_012188.5(FOXI1):c.870C>T (p.Ser290=)

Gene: FOXI1 (forkhead box I1; plus strand). Cytogenetic location: 5q35.1.
Variant type: single nucleotide variant.
Coding change: c.870C>T on transcript NM_012188.5 (MANE Select); coding-DNA position 870, C replaced by T.
Protein change: p.Ser290=; no amino-acid change (serine 290 retained).
Molecular consequence: synonymous variant.
Genome position (GRCh38, 1-based): chr5:170,108,344, C>T. VCF-style: chr5-170108344-C-T. GRCh37 (hg19) VCF-style: chr5-169535348-C-T.
Other names: c.870C>T (NM_012188.4); c.585C>T, p.Ser195= (NM_144769.4).
Identifiers: ClinVar variation 2049031 (VCV002049031.6), dbSNP rs577415258, ClinGen allele CA3555119.
Genomic context (GRCh38, chr5:170,108,344, plus strand): 5'-TCCCCCATCAGGCGCCCCTTGCCTTAACAGCTTCCTTTCCTCTATGACAGCCTATGTGAG[C>T]GGGGGGAGCCCCACGAGCCACCCCTTGGTCACACCAGGACTGAGCCCTGAGCCCAGTGAC-3'
Protein context (NP_036320.2, residues 280-300): SFLSSMTAYV[Ser290=]GGSPTSHPLV